The following is an entry in ClinVar:

NM_000397.4(CYBB):c.1645C>T (p.Gln549Ter)

Gene: CYBB (cytochrome b-245 beta chain; plus strand). Cytogenetic location: Xp11.4.
Variant type: single nucleotide variant.
Coding change: c.1645C>T on transcript NM_000397.4 (MANE Select); coding-DNA position 1645, C replaced by T.
Protein change: p.Gln549Ter; replaces glutamine 549 with a stop codon.
Molecular consequence: nonsense.
Genome position (GRCh38, 1-based): chrX:37,810,849, C>T. VCF-style: chrX-37810849-C-T. GRCh37 (hg19) VCF-style: chrX-37670102-C-T.
Other names: short protein forms Q549*.
Identifiers: ClinVar variation 1074314 (VCV001074314.9), dbSNP rs1929658430, ClinGen allele CA412978760.
Genomic context (GRCh38, chrX:37,810,849, plus strand): 5'-AGTACCAGAATAGGAGTTTTCCTCTGTGGACCTGAAGCCTTGGCTGAAACCCTGAGTAAA[C>T]AAAGCATCTCCAACTCTGAGTCTGGCCCTCGGGGAGTGCATTTCATTTTCAACAAGGAAA-3'

ClinVar aggregate classification (germline): Pathogenic (1 of 4 stars; one submission).

Conditions:
Granulomatous disease, chronic, X-linked. Also called: CYTOCHROME b-NEGATIVE GRANULOMATOUS DISEASE, CHRONIC, X-LINKED; GRANULOMATOUS DISEASE, CHRONIC, X-LINKED, SOMATIC MOSAIC. Identifiers: Orphanet 379, MedGen C1844376, MONDO:0010600, OMIM 306400.

Submission:

Labcorp Genetics (formerly Invitae), Labcorp
Classification: Pathogenic for Granulomatous disease, chronic, X-linked. Last evaluated: 2020-02-10. Review status: criteria provided, single submitter. Criteria: Invitae Variant Classification Sherloc (09022015). Collection method: clinical testing. Allele origin: germline.
Comment: This variant is not present in population databases (ExAC no frequency). This variant has been observed in individual(s) with chronic granulomatous disease (PMID: 11162142, Invitae). This variant is also known as 1657 C>T (549 Gln >stop) in the literature. This variant disrupts the p.Glu568 amino acid residue in CYBB. Other variant(s) that disrupt this residue have been determined to be pathogenic (PMID: 10627478). This suggests that this residue is clinically significant, and that variants that disrupt this residue are likely to be disease-causing. For these reasons, this variant has been classified as Pathogenic. This sequence change results in a premature translational stop signal in the CYBB gene (p.Gln549*). While this is not anticipated to result in nonsense mediated decay, it is expected to disrupt the last 22 amino acids of the CYBB protein.

Literature cited by the submitters: PubMed 11162142; PubMed 10627478.